The following is an entry in ClinVar:

NM_015046.7(SETX):c.6035C>G (p.Ala2012Gly)

Gene: SETX (senataxin; minus strand). Cytogenetic location: 9q34.13.
Variant type: single nucleotide variant.
Coding change: c.6035C>G on transcript NM_015046.7 (MANE Select); coding-DNA position 6035, C replaced by G.
Protein change: p.Ala2012Gly; replaces alanine 2012 with glycine.
Molecular consequence: missense variant.
Genome position (GRCh38, 1-based): chr9:132,295,943, G>C on the plus strand (C>G on the coding strand, the complement: SETX is on the minus strand). VCF-style: chr9-132295943-G-C. GRCh37 (hg19) VCF-style: chr9-135171330-G-C.
Other names: c.6035C>G, p.Ala2012Gly (NM_001351527.2, NM_001351528.2); short protein forms A2012G.
Identifiers: ClinVar variation 3354241 (VCV003354241.1).

ClinVar aggregate classification (germline): Uncertain significance (0 of 4 stars; one submission).

Conditions:
SETX-related disorder. Also called: SETX-related condition; SETX-related disorders. Identifiers: MedGen CN239403.

gnomAD v4.1: 11 of 1,613,946 alleles (0.00068%); highest among the groups gnomAD compares: Non-Finnish European, 0.00093%; no homozygotes.

Submission:

PreventionGenetics, part of Exact Sciences
Classification: Uncertain significance for SETX-related condition. Last evaluated: 2024-02-06. Review status: no assertion criteria provided. Collection method: clinical testing. Allele origin: germline.
Comment: The SETX c.6035C>G variant is predicted to result in the amino acid substitution p.Ala2012Gly. To our knowledge, this variant has not been reported in the literature or in a large population database, indicating this variant is rare. At this time, the clinical significance of this variant is uncertain due to the absence of conclusive functional and genetic evidence.